The following is an entry in ClinVar:

NM_006231.4(POLE):c.530A>G (p.Asn177Ser)

Gene: POLE (DNA polymerase epsilon, catalytic subunit; minus strand). Cytogenetic location: 12q24.33.
Variant type: single nucleotide variant.
Coding change: c.530A>G on transcript NM_006231.4 (MANE Select); coding-DNA position 530, A replaced by G.
Protein change: p.Asn177Ser; replaces asparagine 177 with serine.
Molecular consequence: missense variant.
Genome position (GRCh38, 1-based): chr12:132,679,545, T>C on the plus strand (A>G on the coding strand, the complement: POLE is on the minus strand). VCF-style: chr12-132679545-T-C. GRCh37 (hg19) VCF-style: chr12-133256131-T-C.
Other names: short protein forms N177S.
Identifiers: ClinVar variation 1482464 (VCV001482464.11), dbSNP rs2043122997, ClinGen allele CA387366960.

ClinVar aggregate classification (germline): Conflicting classifications of pathogenicity. Review status: criteria provided, conflicting classifications (1 of 4 stars). 2 submissions from 2 submitters: Uncertain significance (1); Likely benign (1). Last evaluated 2026-01-06.

Conditions:
Hereditary cancer-predisposing syndrome. Also called: Tumor predisposition; Hereditary Cancer Syndrome; Hereditary neoplastic syndrome; Neoplastic Syndromes, Hereditary. Identifiers: Orphanet 140162, MedGen C0027672, MeSH D009386, MONDO:0015356.

Allele frequency attached by ClinVar (database versions not stated): gnomAD exomes 0.00001.
gnomAD v4.1: 5 of 1,614,094 alleles (0.00031%); highest among the groups gnomAD compares: East Asian, 0.0089%; no homozygotes.

Submissions (2):

Labcorp Genetics (formerly Invitae), Labcorp
Classification: Uncertain significance. Last evaluated: 2026-01-06. Review status: criteria provided, single submitter. Criteria: Invitae Variant Classification Sherloc (09022015). Collection method: clinical testing. Allele origin: germline.
Comment: This sequence change replaces asparagine, which is neutral and polar, with serine, which is neutral and polar, at codon 177 of the POLE protein (p.Asn177Ser). This variant is not present in population databases (gnomAD no frequency). This variant has not been reported in the literature in individuals affected with POLE-related conditions. ClinVar contains an entry for this variant (Variation ID: 1482464). Invitae Evidence Modeling of protein sequence and biophysical properties (such as structural, functional, and spatial information, amino acid conservation, physicochemical variation, residue mobility, and thermodynamic stability) indicates that this missense variant is not expected to disrupt POLE protein function with a negative predictive value of 80%. In summary, the available evidence is currently insufficient to determine the role of this variant in disease. Therefore, it has been classified as a Variant of Uncertain Significance.

Ambry Genetics
Classification: Likely benign for Hereditary cancer-predisposing syndrome. Last evaluated: 2024-12-23. Review status: criteria provided, single submitter. Criteria: Ambry Variant Classification Scheme 2023. Collection method: clinical testing. Allele origin: germline.